The following is an entry in ClinVar:

ClinVar aggregate classification (germline): Uncertain significance (1 of 4 stars; one submission).

Conditions:
Chédiak-Higashi syndrome (CHS). Also called: Chediak-Higashi Syndrome. Identifiers: Orphanet 167, MedGen C0007965, MONDO:0008963, OMIM 214500.

Allele frequency attached by ClinVar (database versions not stated): TOPMed below 0.00001; ExAC 0.00001; gnomAD 0.00001; gnomAD exomes 0.00001.
gnomAD v4.1: 13 of 1,614,092 alleles (0.00081%); highest among the groups gnomAD compares: South Asian, 0.0011%; no homozygotes.

Submission:

Labcorp Genetics (formerly Invitae), Labcorp
Classification: Uncertain significance for Chédiak-Higashi syndrome. Last evaluated: 2022-08-22. Review status: criteria provided, single submitter. Criteria: Invitae Variant Classification Sherloc (09022015). Collection method: clinical testing. Allele origin: germline.
Comment: This sequence change replaces isoleucine, which is neutral and non-polar, with valine, which is neutral and non-polar, at codon 2165 of the LYST protein (p.Ile2165Val). This variant is present in population databases (rs755212068, gnomAD 0.003%). This variant has not been reported in the literature in individuals affected with LYST-related conditions. Algorithms developed to predict the effect of missense changes on protein structure and function output the following: SIFT: "Tolerated"; PolyPhen-2: "Benign"; Align-GVGD: "Class C0". The valine amino acid residue is found in multiple mammalian species, which suggests that this missense change does not adversely affect protein function. Algorithms developed to predict the effect of sequence changes on RNA splicing suggest that this variant may create or strengthen a splice site. In summary, the available evidence is currently insufficient to determine the role of this variant in disease. Therefore, it has been classified as a Variant of Uncertain Significance.

NM_000081.4(LYST):c.6493A>G (p.Ile2165Val)

Gene: LYST (lysosomal trafficking regulator; minus strand). Cytogenetic location: 1q42.3.
Variant type: single nucleotide variant.
Coding change: c.6493A>G on transcript NM_000081.4 (MANE Select); coding-DNA position 6493, A replaced by G.
Protein change: p.Ile2165Val; replaces isoleucine 2165 with valine.
Molecular consequence: missense variant.
Genome position (GRCh38, 1-based): chr1:235,759,360, T>C on the plus strand (A>G on the coding strand, the complement: LYST is on the minus strand). VCF-style: chr1-235759360-T-C. GRCh37 (hg19) VCF-style: chr1-235922660-T-C.
Other names: c.6493A>G, p.Ile2165Val (NM_001301365.1); short protein forms I2165V.
Identifiers: ClinVar variation 2193493 (VCV002193493.1), dbSNP rs755212068, ClinGen allele CA1466361.